The following is an entry in ClinVar:

NM_001365480.1(CCDC88A):c.253C>G (p.Gln85Glu)

Gene: CCDC88A (coiled-coil domain containing 88A; minus strand). Cytogenetic location: 2p16.1.
Variant type: single nucleotide variant.
Coding change: c.253C>G on transcript NM_001365480.1 (MANE Select); coding-DNA position 253, C replaced by G.
Protein change: p.Gln85Glu; replaces glutamine 85 with glutamic acid.
Molecular consequence: missense variant.
Genome position (GRCh38, 1-based): chr2:55,388,798, G>C on the plus strand (C>G on the coding strand, the complement: CCDC88A is on the minus strand). VCF-style: chr2-55388798-G-C. GRCh37 (hg19) VCF-style: chr2-55615934-G-C.
Other names: c.253C>G, p.Gln85Glu (NM_001135597.2, NM_001254943.2, NM_018084.5); c.253C>G (NM_001135597.1); short protein forms Q85E.
Identifiers: ClinVar variation 1449039 (VCV001449039.6), dbSNP rs752260405, ClinGen allele CA1666463.

ClinVar aggregate classification (germline): Uncertain significance. Review status: criteria provided, multiple submitters, no conflicts (2 of 4 stars). 2 submissions from 2 submitters: Uncertain significance (2). Last evaluated 2024-01-03.

Allele frequency attached by ClinVar (database versions not stated): ExAC 0.00003; gnomAD 0.00003 and 0.00004; TOPMed 0.00003; gnomAD exomes 0.00005.
gnomAD v4.1: 16 of 1,475,356 alleles (0.0011%); highest among the groups gnomAD compares: Admixed American, 0.021%; no homozygotes.

Submissions (2):

Ambry Genetics
Classification: Uncertain significance. Last evaluated: 2024-01-03. Review status: criteria provided, single submitter. Criteria: Ambry Variant Classification Scheme 2023. Collection method: clinical testing. Allele origin: germline.

Labcorp Genetics (formerly Invitae), Labcorp
Classification: Uncertain significance. Last evaluated: 2022-08-02. Review status: criteria provided, single submitter. Criteria: Invitae Variant Classification Sherloc (09022015). Collection method: clinical testing. Allele origin: germline.
Comment: This sequence change replaces glutamine, which is neutral and polar, with glutamic acid, which is acidic and polar, at codon 85 of the CCDC88A protein (p.Gln85Glu). This variant is present in population databases (rs752260405, gnomAD 0.03%). This variant has not been reported in the literature in individuals affected with CCDC88A-related conditions. ClinVar contains an entry for this variant (Variation ID: 1449039). Algorithms developed to predict the effect of missense changes on protein structure and function (SIFT, PolyPhen-2, Align-GVGD) all suggest that this variant is likely to be tolerated. In summary, the available evidence is currently insufficient to determine the role of this variant in disease. Therefore, it has been classified as a Variant of Uncertain Significance.